The following is an entry in ClinVar:

NM_000037.4(ANK1):c.966del (p.Leu323fs)

Gene: ANK1 (ankyrin 1; minus strand). Cytogenetic location: 8p11.21.
Variant type: Deletion.
Coding change: c.966del on transcript NM_000037.4 (MANE Select); coding-DNA position 966, one base deleted (G; older notation c.966delG).
Protein change: p.Leu323fs; shifts the reading frame from leucine 323.
Molecular consequence: frameshift variant.
Genome position (GRCh38, 1-based): chr8:41,719,802, C deleted on the plus strand (G on the coding strand, the reverse complement: ANK1 is on the minus strand); the first of 2 consecutive C bases (chr8:41,719,802-41,719,803); deleting either gives the same sequence. VCF-style (leftmost placement, unchanged base first): chr8-41719801-GC-G. GRCh37 (hg19) VCF-style: chr8-41577319-GC-G.
Other names: c.966del, p.Leu323fs (NM_020476.3, NM_020477.3, NM_020475.3); c.1065del, p.Leu356fs (NM_001142446.2); short protein forms L323fs, L356fs.
Identifiers: ClinVar variation 3384118 (VCV003384118.1).

ClinVar aggregate classification (germline): Pathogenic (1 of 4 stars; one submission).

Conditions:
Spherocytosis. Identifiers: MedGen C0553720, HP:0004444.

Submission:

Dubai Health Genomic Medicine Center, Dubai Health
Classification: Pathogenic for Spherocytosis. Last evaluated: 2024-10-04. Review status: criteria provided, single submitter. Criteria: ACMG Guidelines, 2015. Collection method: research. Allele origin: germline. Affected: yes.
Comment: PVS1,PP1,PM2